The following is an entry in ClinVar:

NM_078629.4(MSL3):c.965C>T (p.Ser322Phe)

Gene: MSL3 (MSL complex subunit 3; plus strand). Cytogenetic location: Xp22.2.
Variant type: single nucleotide variant.
Coding change: c.965C>T on transcript NM_078629.4 (MANE Select); coding-DNA position 965, C replaced by T.
Protein change: p.Ser322Phe; replaces serine 322 with phenylalanine.
Molecular consequence: missense variant.
Genome position (GRCh38, 1-based): chrX:11,765,523, C>T. VCF-style: chrX-11765523-C-T. GRCh37 (hg19) VCF-style: chrX-11783642-C-T.
Other names: c.929C>T, p.Ser310Phe (NM_001193270.2); c.518C>T, p.Ser173Phe (NM_001282174.1); c.467C>T, p.Ser156Phe (NM_006800.4); c.965C>T, p.Ser322Phe (NM_078628.2); short protein forms S156F, S173F, S310F, S322F.
Identifiers: ClinVar variation 3360928 (VCV003360928.1).
Genomic context (GRCh38, chrX:11,765,523, plus strand): 5'-CTAGGAGCCAGGAGGAACTCTCTCCCAGTCCGCCTTTGTTGAATCCATCCACGCCACAGT[C>T]CACAGAGAGTCAGCCGACCACCGGTGAACCAGCCACCCCCAAAAGGCGCAAAGCTGAGCC-3'
Protein context (NP_523353.2, residues 312-332): PPLLNPSTPQ[Ser322Phe]TESQPTTGEP

ClinVar aggregate classification (germline): Uncertain significance (1 of 4 stars; one submission).

gnomAD v4.1: 1 of 1,210,112 alleles (0.000083%); highest among the groups gnomAD compares: Non-Finnish European, 0.00011%; no homozygotes.

Submission:

GeneDx
Classification: Uncertain significance. Last evaluated: 2023-07-07. Review status: criteria provided, single submitter. Criteria: GeneDx Variant Classification Process June 2021. Collection method: clinical testing. Allele origin: germline. Affected: yes.
Comment: Not observed at significant frequency in large population cohorts (gnomAD); In silico analysis supports that this missense variant has a deleterious effect on protein structure/function; Has not been previously published as pathogenic or benign to our knowledge